The following is an entry in ClinVar:

ClinVar aggregate classification (germline): Conflicting classifications of pathogenicity. Review status: criteria provided, conflicting classifications (1 of 4 stars). 2 submissions from 2 submitters: Uncertain significance (1); Likely benign (1). Last evaluated 2026-07-06.

Conditions:
Hereditary diffuse gastric adenocarcinoma (HDGC). Also called: DIFFUSE GASTRIC AND LOBULAR BREAST CANCER SYNDROME. Identifiers: Orphanet 26106, MedGen C1708349, MONDO:0007648, OMIM 137215.
Hereditary cancer-predisposing syndrome. Also called: Tumor predisposition; Hereditary neoplastic syndrome; Neoplastic Syndromes, Hereditary; Hereditary Cancer Syndrome. Identifiers: Orphanet 140162, MedGen C0027672, MeSH D009386, MONDO:0015356.

Allele frequency attached by ClinVar (database versions not stated): gnomAD exomes below 0.00001; TOPMed below 0.00001.
gnomAD v4.1: 1 of 1,533,846 alleles (0.000065%); highest among the groups gnomAD compares: South Asian, 0.0012%; no homozygotes.

Submissions (2):

Ambry Genetics
Classification: Likely benign for Hereditary cancer-predisposing syndrome. Last evaluated: 2026-07-06. Review status: criteria provided, single submitter. Criteria: Ambry Variant Classification Scheme 2023. Collection method: clinical testing. Allele origin: germline.

Labcorp Genetics (formerly Invitae), Labcorp
Classification: Uncertain significance for Hereditary diffuse gastric adenocarcinoma. Last evaluated: 2022-08-10. Review status: criteria provided, single submitter. Criteria: Invitae Variant Classification Sherloc (09022015). Collection method: clinical testing. Allele origin: germline.
Comment: In summary, the available evidence is currently insufficient to determine the role of this variant in disease. Therefore, it has been classified as a Variant of Uncertain Significance. This sequence change replaces proline, which is neutral and non-polar, with leucine, which is neutral and non-polar, at codon 27 of the CDH1 protein (p.Pro27Leu). This variant is not present in population databases (gnomAD no frequency). This variant has not been reported in the literature in individuals affected with CDH1-related conditions. ClinVar contains an entry for this variant (Variation ID: 827452). Algorithms developed to predict the effect of missense changes on protein structure and function output the following: SIFT: "Tolerated"; PolyPhen-2: "Possibly Damaging"; Align-GVGD: "Class C0". The leucine amino acid residue is found in multiple mammalian species, which suggests that this missense change does not adversely affect protein function.

NM_004360.5(CDH1):c.80C>T (p.Pro27Leu)

Gene: CDH1 (cadherin 1; plus strand). Cytogenetic location: 16q22.1.
Variant type: single nucleotide variant.
Coding change: c.80C>T on transcript NM_004360.5 (MANE Select); coding-DNA position 80, C replaced by T.
Protein change: p.Pro27Leu; replaces proline 27 with leucine.
Molecular consequence: missense variant. On other transcripts: 5 prime UTR variant (2).
Genome position (GRCh38, 1-based): chr16:68,738,328, C>T. VCF-style: chr16-68738328-C-T. GRCh37 (hg19) VCF-style: chr16-68772231-C-T.
Other names: c.80C>T, p.Pro27Leu (NM_001317184.2); c.-1536C>T (NM_001317185.2); c.-1740C>T (NM_001317186.2); short protein forms P27L.
Identifiers: ClinVar variation 827452 (VCV000827452.15), dbSNP rs1597838536, ClinGen allele CA396451791.
Genomic context (GRCh38, chr16:68,738,328, plus strand): 5'-CGGTTCCATCTACCTTTCCCCCACCCCAGGTCTCCTCTTGGCTCTGCCAGGAGCCGGAGC[C>T]CTGCCACCCTGGCTTTGACGCCGAGAGCTACACGTTCACGGTGCCCCGGCGCCACCTGGA-3'
Protein context (NP_004351.1, residues 17-37): VSSWLCQEPE[Pro27Leu]CHPGFDAESY